The following is an entry in ClinVar:

NM_000548.5(TSC2):c.5004T>C (p.Phe1668=)

Gene: TSC2 (TSC complex subunit 2; plus strand). Cytogenetic location: 16p13.3.
Variant type: single nucleotide variant.
Coding change: c.5004T>C on transcript NM_000548.5 (MANE Select); coding-DNA position 5004, T replaced by C.
Protein change: p.Phe1668=; no amino-acid change (phenylalanine 1668 retained).
Molecular consequence: synonymous variant.
Genome position (GRCh38, 1-based): chr16:2,087,877, T>C. VCF-style: chr16-2087877-T-C. GRCh37 (hg19) VCF-style: chr16-2137878-T-C.
Other names: c.4803T>C, p.Phe1601= (NM_001077183.3); c.4935T>C, p.Phe1645= (NM_001114382.3); c.4695T>C, p.Phe1565= (NM_001318827.2); c.4659T>C, p.Phe1553= (NM_001318829.2); c.4272T>C, p.Phe1424= (NM_001318831.2); c.4836T>C, p.Phe1612= (NM_001318832.2); c.4806T>C, p.Phe1602= (NM_001363528.2); c.4872T>C, p.Phe1624= (NM_001370404.1); and 1 more.
Identifiers: ClinVar variation 413704 (VCV000413704.29), dbSNP rs745787082, ClinGen allele CA053472.

ClinVar aggregate classification (germline): Benign/Likely benign. Review status: criteria provided, multiple submitters, no conflicts (2 of 4 stars). 7 submissions from 7 submitters: Benign (2); Likely benign (5). Last evaluated 2025-11-01.

Conditions:
Hereditary cancer-predisposing syndrome. Also called: Tumor predisposition; Hereditary neoplastic syndrome; Hereditary Cancer Syndrome; Neoplastic Syndromes, Hereditary. Identifiers: Orphanet 140162, MedGen C0027672, MeSH D009386, MONDO:0015356.
Tuberous sclerosis syndrome (TSC). Also called: Tuberous Sclerosis Complex; Tuberous sclerosis. Identifiers: Orphanet 805, MedGen C0041341, MONDO:0001734.
Tuberous sclerosis 2 (TSC2). Identifiers: Orphanet 805, MedGen C1860707, MONDO:0013199, OMIM 613254.

Allele frequency attached by ClinVar (database versions not stated): ExAC 0.00002; gnomAD exomes 0.00002.
gnomAD v4.1: 5 of 1,612,638 alleles (0.00031%); highest among the groups gnomAD compares: Admixed American, 0.0033%; no homozygotes.

Submissions (7):

CeGaT Center for Human Genetics Tuebingen
Classification: Likely benign. Last evaluated: 2025-11-01. Review status: criteria provided, single submitter. Criteria: CeGaT Center For Human Genetics Tuebingen Variant Classification Criteria Version 2. Collection method: clinical testing. Allele origin: germline. Affected: yes. Observed: 1 variant allele.
Comment: TSC2: BP4, BP7

Labcorp Genetics (formerly Invitae), Labcorp
Classification: Likely benign for Tuberous sclerosis 2. Last evaluated: 2025-10-07. Review status: criteria provided, single submitter. Criteria: Invitae Variant Classification Sherloc (09022015). Collection method: clinical testing. Allele origin: germline.

Myriad Genetics, Inc.
Classification: Benign for Tuberous sclerosis 2. Last evaluated: 2025-06-05. Review status: criteria provided, single submitter. Criteria: Myriad Autosomal Dominant, Autosomal Recessive and X-Linked Classification Criteria (2023). Collection method: clinical testing. Allele origin: unknown.
Comment: This variant is considered benign. This variant is a silent/synonymous amino acid change and it is not expected to impact splicing.

All of Us Research Program, National Institutes of Health
Classification: Likely benign for Tuberous sclerosis syndrome. Last evaluated: 2023-12-18. Review status: criteria provided, single submitter. Criteria: ACMG Guidelines, 2015. Collection method: clinical testing. Allele origin: germline. Inheritance: Autosomal dominant inheritance. Observed: 2 variant alleles, 2 heterozygotes.
Comment: This study involves interpretation of variants in research participants for the purpose of population health screening. Participant phenotype was not available at the time of variant classification. Additional details can be found in publication PMID: 35346344, PMCID: PMC8962531

Blueprint Genetics
Classification: Likely benign. Last evaluated: 2023-12-12. Review status: criteria provided, single submitter. Criteria: ACMG Guidelines, 2015. Collection method: clinical testing. Allele origin: germline.

Genome-Nilou Lab
Classification: Benign for Tuberous sclerosis 2. Last evaluated: 2021-11-07. Review status: criteria provided, single submitter. Criteria: ACMG Guidelines, 2015. Collection method: clinical testing. Allele origin: germline. Affected: no.

Ambry Genetics
Classification: Likely benign for Hereditary cancer-predisposing syndrome. Last evaluated: 2019-03-22. Review status: criteria provided, single submitter. Criteria: Ambry Variant Classification Scheme 2023. Collection method: clinical testing. Allele origin: germline.